The following is an entry in ClinVar:

ClinVar aggregate classification (germline): Uncertain significance (1 of 4 stars; one submission).

Conditions:
Amyotrophic lateral sclerosis type 1 (ALS1). Also called: AMYOTROPHIC LATERAL SCLEROSIS 1, FAMILIAL. Identifiers: Orphanet 803, MedGen C1862939, MONDO:0007103, OMIM 105400.
Perry syndrome. Also called: PARKINSONISM WITH ALVEOLAR HYPOVENTILATION AND MENTAL DEPRESSION. Identifiers: Orphanet 178509, MedGen C1868594, MONDO:0008201, OMIM 168605.
Neuronopathy, distal hereditary motor, type 7B. Also called: Distal Hereditary Motor Neuronopathy Type 7B (dHMN7B); HMN VIIB; LOWER MOTOR NEURON DISEASE, DYNACTIN TYPE; NEURONOPATHY, DISTAL HEREDITARY MOTOR, AUTOSOMAL DOMINANT 14; NEURONOPATHY, DISTAL HEREDITARY MOTOR, HARDING TYPE VIIB; NEUROPATHY, DISTAL HEREDITARY MOTOR, HARDING TYPE VIIB. Identifiers: Orphanet 139589, MedGen C1843315, MONDO:0011879, OMIM 607641.

Allele frequency attached by ClinVar (database versions not stated): TOPMed 0.00001.

Submission:

Labcorp Genetics (formerly Invitae), Labcorp
Classification: Uncertain significance for Amyotrophic lateral sclerosis type 1; Neuronopathy, distal hereditary motor, type 7B; Perry syndrome. Last evaluated: 2025-08-15. Review status: criteria provided, single submitter. Criteria: Invitae Variant Classification Sherloc (09022015). Collection method: clinical testing. Allele origin: germline.
Comment: This sequence change replaces alanine, which is neutral and non-polar, with glycine, which is neutral and non-polar, at codon 173 of the DCTN1 protein (p.Ala173Gly). This variant is present in population databases (no rsID available, gnomAD 0.01%). This variant has not been reported in the literature in individuals affected with DCTN1-related conditions. ClinVar contains an entry for this variant (Variation ID: 1511594). Invitae Evidence Modeling of protein sequence and biophysical properties (such as structural, functional, and spatial information, amino acid conservation, physicochemical variation, residue mobility, and thermodynamic stability) indicates that this missense variant is not expected to disrupt DCTN1 protein function with a negative predictive value of 95%. In summary, the available evidence is currently insufficient to determine the role of this variant in disease. Therefore, it has been classified as a Variant of Uncertain Significance.

NM_004082.5(DCTN1):c.518C>G (p.Ala173Gly)

Gene: DCTN1 (dynactin subunit 1; minus strand). Cytogenetic location: 2p13.1.
Variant type: single nucleotide variant.
Coding change: c.518C>G on transcript NM_004082.5 (MANE Select); coding-DNA position 518, C replaced by G.
Protein change: p.Ala173Gly; replaces alanine 173 with glycine.
Molecular consequence: missense variant. On other transcripts: non-coding transcript variant (1).
Genome position (GRCh38, 1-based): chr2:74,371,664, G>C on the plus strand (C>G on the coding strand, the complement: DCTN1 is on the minus strand). VCF-style: chr2-74371664-G-C. GRCh37 (hg19) VCF-style: chr2-74598791-G-C.
Other names: c.458C>G, p.Ala153Gly (NM_001135040.3); c.116C>G, p.Ala39Gly (NM_001135041.3, NM_023019.4); c.407C>G, p.Ala136Gly (NM_001190836.2); c.497C>G, p.Ala166Gly (NM_001190837.2); c.467C>G, p.Ala156Gly (NM_001378991.1); c.449C>G, p.Ala150Gly (NM_001378992.1); short protein forms A173G, A39G, A136G, A166G, A150G, A153G, A156G.
Identifiers: ClinVar variation 1511594 (VCV001511594.8), dbSNP rs1445980252, ClinGen allele CA347367584.